The following is an entry in ClinVar:

NM_000321.3(RB1):c.1409T>G (p.Ile470Ser)

Gene: RB1 (RB transcriptional corepressor 1; plus strand). Cytogenetic location: 13q14.2.
Variant type: single nucleotide variant.
Coding change: c.1409T>G on transcript NM_000321.3 (MANE Select); coding-DNA position 1409, T replaced by G.
Protein change: p.Ile470Ser; replaces isoleucine 470 with serine.
Molecular consequence: missense variant.
Genome position (GRCh38, 1-based): chr13:48,380,072, T>G. VCF-style: chr13-48380072-T-G. GRCh37 (hg19) VCF-style: chr13-48954208-T-G.
Other names: c.1409T>G, p.Ile470Ser (NM_001407165.1, NM_001407166.1); short protein forms I470S.
Identifiers: ClinVar variation 2450492 (VCV002450492.3), dbSNP rs2138142298, ClinGen allele CA388162712.

ClinVar aggregate classification (germline): Uncertain significance. Review status: criteria provided, multiple submitters, no conflicts (2 of 4 stars). 2 submissions from 2 submitters: Uncertain significance (2). Last evaluated 2025-06-16.

Conditions:
Retinoblastoma (RB1). Also called: RETINOBLASTOMA, SOMATIC. Identifiers: Orphanet 790, MedGen C0035335, MeSH D012175, MONDO:0008380, OMIM 180200, HP:0009919. Disease mechanism: loss of function. Inheritance: Both sporadic and heritable forms are tested..
Hereditary cancer-predisposing syndrome. Also called: Neoplastic Syndromes, Hereditary; Tumor predisposition; Hereditary neoplastic syndrome; Hereditary Cancer Syndrome. Identifiers: Orphanet 140162, MedGen C0027672, MeSH D009386, MONDO:0015356.

Submissions (2):

Labcorp Genetics (formerly Invitae), Labcorp
Classification: Uncertain significance for Retinoblastoma. Last evaluated: 2025-06-16. Review status: criteria provided, single submitter. Criteria: Invitae Variant Classification Sherloc (09022015). Collection method: clinical testing. Allele origin: germline.
Comment: This sequence change replaces isoleucine, which is neutral and non-polar, with serine, which is neutral and polar, at codon 470 of the RB1 protein (p.Ile470Ser). This variant is not present in population databases (gnomAD no frequency). This variant has not been reported in the literature in individuals affected with RB1-related conditions. ClinVar contains an entry for this variant (Variation ID: 2450492). Invitae Evidence Modeling of protein sequence and biophysical properties (such as structural, functional, and spatial information, amino acid conservation, physicochemical variation, residue mobility, and thermodynamic stability) indicates that this missense variant is not expected to disrupt RB1 protein function with a negative predictive value of 80%. In summary, the available evidence is currently insufficient to determine the role of this variant in disease. Therefore, it has been classified as a Variant of Uncertain Significance.

Ambry Genetics
Classification: Uncertain significance for Hereditary cancer-predisposing syndrome. Last evaluated: 2022-11-10. Review status: criteria provided, single submitter. Criteria: Ambry Variant Classification Scheme 2023. Collection method: clinical testing. Allele origin: germline.
Comment: The p.I470S variant (also known as c.1409T>G), located in coding exon 15 of the RB1 gene, results from a T to G substitution at nucleotide position 1409. The isoleucine at codon 470 is replaced by serine, an amino acid with dissimilar properties. This amino acid position is conserved. In addition, the in silico prediction for this alteration is inconclusive. Since supporting evidence is limited at this time, the clinical significance of this alteration remains unclear.